The following is an entry in ClinVar:

ClinVar aggregate classification (germline): Benign/Likely benign. Review status: criteria provided, multiple submitters, no conflicts (2 of 4 stars). 5 submissions from 5 submitters: Benign (1); Likely benign (4). Last evaluated 2024-09-23.

Conditions:
Hereditary cancer-predisposing syndrome. Also called: Neoplastic Syndromes, Hereditary; Hereditary neoplastic syndrome; Tumor predisposition; Hereditary Cancer Syndrome. Identifiers: Orphanet 140162, MedGen C0027672, MeSH D009386, MONDO:0015356.
Hereditary diffuse gastric adenocarcinoma (HDGC). Also called: DIFFUSE GASTRIC AND LOBULAR BREAST CANCER SYNDROME. Identifiers: Orphanet 26106, MedGen C1708349, MONDO:0007648, OMIM 137215.

Allele frequency attached by ClinVar (database versions not stated): TOPMed below 0.00001; gnomAD 0.00001.
gnomAD v4.1: 2 of 1,613,986 alleles (0.00012%); highest among the groups gnomAD compares: Non-Finnish European, 0.00017%; no homozygotes.

Submissions (5):

Myriad Genetics, Inc.
Classification: Benign for Hereditary diffuse gastric adenocarcinoma. Last evaluated: 2024-09-23. Review status: criteria provided, single submitter. Criteria: Myriad Autosomal Dominant, Autosomal Recessive and X-Linked Classification Criteria (2023). Collection method: clinical testing. Allele origin: unknown.
Comment: This variant is considered benign. This variant is a silent/synonymous amino acid change and it is not expected to impact splicing.

Labcorp Genetics (formerly Invitae), Labcorp
Classification: Likely benign for Hereditary diffuse gastric adenocarcinoma. Last evaluated: 2024-08-22. Review status: criteria provided, single submitter. Criteria: Invitae Variant Classification Sherloc (09022015). Collection method: clinical testing. Allele origin: germline.

Color Diagnostics, LLC DBA Color Health
Classification: Likely benign for Hereditary cancer-predisposing syndrome. Last evaluated: 2017-03-08. Review status: criteria provided, single submitter. Criteria: ACMG Guidelines, 2015. Collection method: clinical testing. Allele origin: germline.

GeneDx
Classification: Likely benign. Last evaluated: 2016-11-12. Review status: criteria provided, single submitter. Criteria: GeneDx Variant Classification (06012015). Collection method: clinical testing. Allele origin: germline. Affected: yes.
Comment: This variant is considered likely benign or benign based on one or more of the following criteria: it is a conservative change, it occurs at a poorly conserved position in the protein, it is predicted to be benign by multiple in silico algorithms, and/or has population frequency not consistent with disease.

Ambry Genetics
Classification: Likely benign for Hereditary cancer-predisposing syndrome. Last evaluated: 2016-07-08. Review status: criteria provided, single submitter. Criteria: Ambry Variant Classification Scheme 2023. Collection method: clinical testing. Allele origin: germline.

NM_004360.5(CDH1):c.2316G>T (p.Leu772=)

Gene: CDH1 (cadherin 1; plus strand). Cytogenetic location: 16q22.1.
Variant type: single nucleotide variant.
Coding change: c.2316G>T on transcript NM_004360.5 (MANE Select); coding-DNA position 2316, G replaced by T.
Protein change: p.Leu772=; no amino-acid change (leucine 772 retained).
Molecular consequence: synonymous variant.
Genome position (GRCh38, 1-based): chr16:68,829,674, G>T. VCF-style: chr16-68829674-G-T. GRCh37 (hg19) VCF-style: chr16-68863577-G-T.
Other names: c.2133G>T, p.Leu711= (NM_001317184.2); c.768G>T, p.Leu256= (NM_001317185.2); c.351G>T, p.Leu117= (NM_001317186.2); c.2316G>T (LRG_301t1).
Identifiers: ClinVar variation 391006 (VCV000391006.19), dbSNP rs1057523941, ClinGen allele CA16607070.